The following is an entry in ClinVar:

ClinVar aggregate classification (germline): Pathogenic (1 of 4 stars; one submission).

Conditions:
PRPH2-related disorder. Also called: PRPH2-related condition; PRPH2-related disorders. Identifiers: MedGen CN239395.

Submission:

Labcorp Genetics (formerly Invitae), Labcorp
Classification: Pathogenic for PRPH2-related disorder. Last evaluated: 2025-03-01. Review status: criteria provided, single submitter. Criteria: Invitae Variant Classification Sherloc (09022015). Collection method: clinical testing. Allele origin: germline.
Comment: This sequence change results in a frameshift in the PRPH2 gene (p.Leu308Alafs*85). While this is not anticipated to result in nonsense mediated decay, it is expected to disrupt the last 39 amino acid(s) of the PRPH2 protein and extend the protein by 45 additional amino acid residues. This variant is not present in population databases (gnomAD no frequency). This variant has not been reported in the literature in individuals affected with PRPH2-related conditions. This variant disrupts a region of the PRPH2 protein in which other variant(s) (p.Val332Glu) have been determined to be pathogenic (PMID: 30718709, 32531846). This suggests that this is a clinically significant region of the protein, and that variants that disrupt it are likely to be disease-causing. For these reasons, this variant has been classified as Pathogenic.

Literature cited by the submitters: PubMed 30718709; PubMed 32531846.

NM_000322.5(PRPH2):c.918_921dup (p.Leu308fs)

Gene: PRPH2 (peripherin 2; minus strand). Cytogenetic location: 6p21.1.
Variant type: Microsatellite.
Coding change: c.918_921dup on transcript NM_000322.5 (MANE Select); coding-DNA positions 918 to 921, 4 bases duplicated (GCTG; older notation c.918_921dupGCTG).
Protein change: p.Leu308fs; shifts the reading frame from leucine 308.
Molecular consequence: frameshift variant.
Genome position (GRCh38, 1-based): chr6:42,698,415-42,698,418, CAGC duplicated on the plus strand (GCTG on the coding strand, the reverse complement: PRPH2 is on the minus strand); duplicating any 4 consecutive bases within chr6:42,698,415-42,698,423 gives the same sequence; the c. name uses the placement nearest the transcript's 3' end. VCF-style (leftmost placement, unchanged base first): chr6-42698414-G-GCAGC. GRCh37 (hg19) VCF-style: chr6-42666152-G-GCAGC.
Other names: short protein forms L308fs.
Identifiers: ClinVar variation 4714160 (VCV004714160.1).